The following is an entry in ClinVar:

ClinVar aggregate classification (germline): Uncertain significance (1 of 4 stars; one submission).

Conditions:
Hereditary cancer-predisposing syndrome. Also called: Hereditary Cancer Syndrome; Neoplastic Syndromes, Hereditary; Tumor predisposition; Hereditary neoplastic syndrome. Identifiers: Orphanet 140162, MedGen C0027672, MeSH D009386, MONDO:0015356.

Submission:

Ambry Genetics
Classification: Uncertain significance for Hereditary cancer-predisposing syndrome. Last evaluated: 2022-12-20. Review status: criteria provided, single submitter. Criteria: Ambry Variant Classification Scheme 2023. Collection method: clinical testing. Allele origin: germline.
Comment: The c.126_127delTAinsAT variant, located in coding exon 1 of the CDKN2A gene, results from an in-frame deletion of TA and insertion of AT at nucleotide positions 126 to 127. This results in the substitution of the asparagine and serine residues for lysine and cysteine residues at codons 42 to 43. This amino acid position is not well conserved in available vertebrate species. In addition, this alteration is predicted to be deleterious by in silico analysis (Choi Y et al. PLoS ONE. 2012; 7(10):e46688). Since supporting evidence is limited at this time, the clinical significance of this alteration remains unclear.

NM_000077.5(CDKN2A):c.126_127delinsAT (p.Asn42_Ser43delinsLysCys)

Gene: CDKN2A (cyclin dependent kinase inhibitor 2A; minus strand). Cytogenetic location: 9p21.3.
Variant type: Indel.
Coding change: c.126_127delinsAT on transcript NM_000077.5; coding-DNA positions 126 to 127, TA replaced by AT.
Protein change: p.Asn42_Ser43delinsLysCys.
Molecular consequence: missense variant (on NM_000077.6). On other transcripts: intron variant (2).
Genome position (GRCh38, 1-based): chr9:21,974,701-21,974,702, TA replaced by AT on the plus strand (TA replaced by AT on the coding strand, the reverse complement: CDKN2A is on the minus strand). VCF-style: chr9-21974701-TA-AT. GRCh37 (hg19) VCF-style: chr9-21974700-TA-AT.
Other names: c.126_127delTAinsAT, p.Asn42_Ser43delinsLysCys (NM_000077.6); c.126_127delinsAT, p.Asn42_Ser43delinsLysCys (NM_001195132.2, NM_058197.5); c.-3-3494_-3-3493delinsAT (NM_001363763.2); c.194-3494_194-3493delinsAT (NM_058195.4).
Identifiers: ClinVar variation 2449060 (VCV002449060.2), dbSNP rs2489290771, ClinGen allele CA2580080345.